The following is an entry in ClinVar:

NM_004937.3(CTNS):c.681+5G>A

Genes: CTNS (cystinosin, lysosomal cystine transporter; plus strand), CTNS-AS1 (CTNS antisense RNA 1; minus strand). Cytogenetic location: 17p13.2.
Variant type: single nucleotide variant.
Coding change: c.681+5G>A on transcript NM_004937.3 (MANE Select); 5 bases into the intron after coding-DNA position 681, G replaced by A.
Molecular consequence: intron variant.
Genome position (GRCh38, 1-based): chr17:3,656,800, G>A. VCF-style: chr17-3656800-G-A. GRCh37 (hg19) VCF-style: chr17-3560094-G-A.
Other names: c.681+5G>A (NM_001031681.3, NM_001374492.1); c.240+5G>A (NM_001374493.1, NM_001374495.1, NM_001374494.1 and 1 more transcripts).
Identifiers: ClinVar variation 1986712 (VCV001986712.1), dbSNP rs2507764926, ClinGen allele CA2580093512.

ClinVar aggregate classification (germline): Uncertain significance (1 of 4 stars; one submission).

Conditions:
Inborn genetic diseases. Identifiers: MedGen C0950123, MeSH D030342.
Juvenile nephropathic cystinosis. Also called: Later-Onset (Juvenile) Cystinosis; Intermediate Cystinosis; CYSTINOSIS, LATE-ONSET JUVENILE OR ADOLESCENT NEPHROPATHIC TYPE. Identifiers: Orphanet 213, Orphanet 411634, MedGen C0268626, MONDO:0009066, OMIM 219900.
Ocular cystinosis. Also called: Non-Nephropathic (Ocular) Cystinosis; Non-Nephropathic Cystinosis. Identifiers: Orphanet 213, Orphanet 411641, MedGen C2931013, MONDO:0009064, OMIM 219750.

Submission:

Labcorp Genetics (formerly Invitae), Labcorp
Classification: Uncertain significance for Inborn genetic diseases; Ocular cystinosis; Juvenile nephropathic cystinosis. Last evaluated: 2022-04-20. Review status: criteria provided, single submitter. Criteria: Invitae Variant Classification Sherloc (09022015). Collection method: clinical testing. Allele origin: germline.
Comment: This sequence change falls in intron 9 of the CTNS gene. It does not directly change the encoded amino acid sequence of the CTNS protein. It affects a nucleotide within the consensus splice site. This variant is not present in population databases (gnomAD no frequency). This variant has not been reported in the literature in individuals affected with CTNS-related conditions. Variants that disrupt the consensus splice site are a relatively common cause of aberrant splicing (PMID: 17576681, 9536098). Algorithms developed to predict the effect of sequence changes on RNA splicing suggest that this variant may create or strengthen a splice site. In summary, the available evidence is currently insufficient to determine the role of this variant in disease. Therefore, it has been classified as a Variant of Uncertain Significance.

Literature cited by the submitters: PubMed 17576681; PubMed 9536098.